The following is an entry in ClinVar:

ClinVar aggregate classification (germline): Likely benign (1 of 4 stars; one submission).

Allele frequency attached by ClinVar (database versions not stated): gnomAD exomes 0.00002; ExAC 0.00003; 1000 Genomes Project 30x 0.00016; 1000 Genomes Project 0.00020.
gnomAD v4.1: 36 of 1,608,800 alleles (0.0022%); highest among the groups gnomAD compares: Non-Finnish European, 0.0029%; no homozygotes.

Submission:

CeGaT Center for Human Genetics Tuebingen
Classification: Likely benign. Last evaluated: 2024-01-01. Review status: criteria provided, single submitter. Criteria: CeGaT Center For Human Genetics Tuebingen Variant Classification Criteria Version 2. Collection method: clinical testing. Allele origin: germline. Affected: yes. Observed: 1 variant allele.
Comment: CIC: BP4, BP7

NM_001386298.1(CIC):c.4785C>T (p.Ile1595=)

Gene: CIC (capicua transcriptional repressor; plus strand). Cytogenetic location: 19q13.2.
Variant type: single nucleotide variant.
Coding change: c.4785C>T on transcript NM_001386298.1 (MANE Select); coding-DNA position 4785, C replaced by T.
Protein change: p.Ile1595=; no amino-acid change (isoleucine 1595 retained).
Molecular consequence: synonymous variant.
Genome position (GRCh38, 1-based): chr19:42,290,826, C>T. VCF-style: chr19-42290826-C-T. GRCh37 (hg19) VCF-style: chr19-42794978-C-T.
Other names: c.4785C>T, p.Ile1595= (NM_001304815.2, NM_001379480.1, NM_001379482.1 and 1 more transcripts); c.2058C>T, p.Ile686= (NM_001379484.1, NM_001379485.1, NM_015125.5).
Identifiers: ClinVar variation 3025194 (VCV003025194.22), dbSNP rs536537730, ClinGen allele CA9472177.